The following is an entry in ClinVar:

NM_001530.4(HIF1A):c.2352G>A (p.Gly784=)

Genes: HIF1A-AS3 (HIF1A antisense RNA 3; minus strand), HIF1A (hypoxia inducible factor 1 subunit alpha; plus strand). Cytogenetic location: 14q23.2.
Variant type: single nucleotide variant.
Coding change: c.2352G>A on transcript NM_001530.4 (MANE Select); coding-DNA position 2352, G replaced by A.
Protein change: p.Gly784=; no amino-acid change (glycine 784 retained).
Molecular consequence: synonymous variant. On other transcripts: 3 prime UTR variant (1).
Genome position (GRCh38, 1-based): chr14:61,746,956, G>A. VCF-style: chr14-61746956-G-A. GRCh37 (hg19) VCF-style: chr14-62213674-G-A.
Other names: p.Gly784=; c.2424G>A, p.Gly808= (NM_001243084.2); c.*17G>A (NM_181054.3).
Identifiers: ClinVar variation 709474 (VCV000709474.5), dbSNP rs74054863, ClinGen allele CA7216188.

ClinVar aggregate classification (germline): Benign/Likely benign. Review status: criteria provided, multiple submitters, no conflicts (2 of 4 stars). 3 submissions from 3 submitters: Benign (2); Likely benign (1). Last evaluated 2025-04-17.

Allele frequency attached by ClinVar (database versions not stated): 1000 Genomes Project 0.00339; gnomAD 0.00413 and 0.00455; TOPMed 0.00457; gnomAD exomes 0.00034 and 0.00094; ESP Exome Variant Server 0.00438; ExAC 0.00115; 1000 Genomes Project 30x 0.00328.
gnomAD v4.1: 1,143 of 1,612,114 alleles (0.071%); highest among the groups gnomAD compares: African/African-American, 1.3%; 10 homozygotes.

Submissions (3):

Mayo Clinic Laboratories, Mayo Clinic
Classification: Likely benign. Last evaluated: 2025-04-17. Review status: criteria provided, single submitter. Criteria: ACMG Guidelines, 2015. Collection method: clinical testing. Allele origin: germline. Observed: 1 variant allele.
Comment: BS2, BP4, BP7

Labcorp Genetics (formerly Invitae), Labcorp
Classification: Benign. Last evaluated: 2018-07-06. Review status: criteria provided, single submitter. Criteria: Invitae Variant Classification Sherloc (09022015). Collection method: clinical testing. Allele origin: germline.

Breakthrough Genomics
Classification: Benign. Review status: criteria provided, single submitter. Criteria: ACMG Guidelines, 2015. Collection method: not provided. Allele origin: germline. Inheritance: Unknown mechanism. Affected: yes.